The following is an entry in ClinVar:

ClinVar aggregate classification (germline): Pathogenic (1 of 4 stars; one submission).

Submission:

GeneDx
Classification: Pathogenic. Last evaluated: 2026-08-09. Review status: criteria provided, single submitter. Criteria: GeneDx Variant Classification Process June 2021. Collection method: clinical testing. Allele origin: germline.
Comment: Identified in patients with OI in published literature (PMID: 30614853, 32588564); Canonical splice site variant predicted to result in a null allele in a gene for which loss of function is a known mechanism of disease; Functional studies demonstrated that the c.3184+1G>T mutation results in retention of intron 48 leading to a frameshift and early termination (PMID: 32588564); Not observed at significant frequency in large population cohorts (gnomAD); This variant is associated with the following publications: (PMID: 37270749, 30614853, 32588564)

NM_000088.4(COL1A1):c.3814+1G>T

Gene: COL1A1 (collagen type I alpha 1 chain; minus strand). Cytogenetic location: 17q21.33.
Variant type: single nucleotide variant.
Coding change: c.3814+1G>T on transcript NM_000088.4 (MANE Select); the canonical splice donor site of the intron after coding-DNA position 3814, G replaced by T.
Molecular consequence: splice donor variant.
Genome position (GRCh38, 1-based): chr17:50,186,639, C>A on the plus strand (G>T on the coding strand, the complement: COL1A1 is on the minus strand). VCF-style: chr17-50186639-C-A. GRCh37 (hg19) VCF-style: chr17-48264000-C-A.
Identifiers: ClinVar variation 2430600 (VCV002430600.2), dbSNP rs2144535840, ClinGen allele CA400195838.